The following is an entry in ClinVar:

ClinVar aggregate classification (germline): Uncertain significance (1 of 4 stars; one submission).

gnomAD v4.1: 10 of 1,596,052 alleles (0.00063%); highest among the groups gnomAD compares: Non-Finnish European, 0.00086%; no homozygotes.

Submission:

Labcorp Genetics (formerly Invitae), Labcorp
Classification: Uncertain significance. Last evaluated: 2022-08-21. Review status: criteria provided, single submitter. Criteria: Invitae Variant Classification Sherloc (09022015). Collection method: clinical testing. Allele origin: germline.
Comment: This sequence change falls in intron 19 of the IFT74 gene. It does not directly change the encoded amino acid sequence of the IFT74 protein. It affects a nucleotide within the consensus splice site. This variant is present in population databases (rs375128279, gnomAD 0.002%). This variant has not been reported in the literature in individuals affected with IFT74-related conditions. Variants that disrupt the consensus splice site are a relatively common cause of aberrant splicing (PMID: 17576681, 9536098). Algorithms developed to predict the effect of sequence changes on RNA splicing suggest that this variant may disrupt the consensus splice site. In summary, the available evidence is currently insufficient to determine the role of this variant in disease. Therefore, it has been classified as a Variant of Uncertain Significance.

Literature cited by the submitters: PubMed 17576681; PubMed 9536098.

NM_025103.4(IFT74):c.1684+5C>G

Gene: IFT74 (intraflagellar transport 74; plus strand). Cytogenetic location: 9p21.2.
Variant type: single nucleotide variant.
Coding change: c.1684+5C>G on transcript NM_025103.4 (MANE Select); 5 bases into the intron after coding-DNA position 1684, C replaced by G.
Molecular consequence: intron variant.
Genome position (GRCh38, 1-based): chr9:27,060,656, C>G. VCF-style: chr9-27060656-C-G. GRCh37 (hg19) VCF-style: chr9-27060654-C-G.
Other names: c.1684+5C>G (NM_001099223.3, NM_001099222.3, NM_001349928.2).
Identifiers: ClinVar variation 2137211 (VCV002137211.1), dbSNP rs375128279, ClinGen allele CA5015748.